The following is an entry in ClinVar:

NM_002618.4(PEX13):c.381G>A (p.Arg127=)

Gene: PEX13 (peroxisomal biogenesis factor 13; plus strand). Cytogenetic location: 2p15.
Variant type: single nucleotide variant.
Coding change: c.381G>A on transcript NM_002618.4 (MANE Select); coding-DNA position 381, G replaced by A.
Protein change: p.Arg127=; no amino-acid change (arginine 127 retained).
Molecular consequence: synonymous variant.
Genome position (GRCh38, 1-based): chr2:61,031,707, G>A. VCF-style: chr2-61031707-G-A. GRCh37 (hg19) VCF-style: chr2-61258842-G-A.
Other names: c.381G>A (NM_002618.3).
Identifiers: ClinVar variation 1656950 (VCV001656950.9), dbSNP rs772627459, ClinGen allele CA1673290.

ClinVar aggregate classification (germline): Likely benign. Review status: criteria provided, multiple submitters, no conflicts (2 of 4 stars). 2 submissions from 2 submitters: Likely benign (2). Last evaluated 2025-09-26.

Conditions:
Peroxisome biogenesis disorder 11A (Zellweger). Also called: Peroxisome biogenesis disorder 11A. Identifiers: Orphanet 912, MedGen C3554000, MONDO:0013949, OMIM 614883.
PEX13-related disorder. Also called: PEX13-related disorders; PEX13-related condition.

Allele frequency attached by ClinVar (database versions not stated): gnomAD exomes below 0.00001 and 0.00001; ExAC 0.00001; gnomAD 0.00001; TOPMed 0.00001.
gnomAD v4.1: 13 of 1,614,034 alleles (0.00081%); highest among the groups gnomAD compares: African/African-American, 0.0013%; no homozygotes.

Submissions (2):

PreventionGenetics, part of Exact Sciences
Classification: Likely benign for PEX13-related condition. Last evaluated: 2025-09-26. Review status: criteria provided, single submitter. Criteria: ACMG Guidelines, 2015. Collection method: clinical testing. Allele origin: germline.
Comment: This variant is classified as likely benign based on ACMG/AMP sequence variant interpretation guidelines (Richards et al. 2015 PMID: 25741868, with internal and published modifications).

Labcorp Genetics (formerly Invitae), Labcorp
Classification: Likely benign for Peroxisome biogenesis disorder 11A (Zellweger). Last evaluated: 2024-10-18. Review status: criteria provided, single submitter. Criteria: Invitae Variant Classification Sherloc (09022015). Collection method: clinical testing. Allele origin: germline.